The following is an entry in ClinVar:

NM_022124.6(CDH23):c.1282G>A (p.Asp428Asn)

Gene: CDH23 (cadherin related 23; plus strand). Cytogenetic location: 10q22.1.
Variant type: single nucleotide variant.
Coding change: c.1282G>A on transcript NM_022124.6 (MANE Select); coding-DNA position 1282, G replaced by A.
Protein change: p.Asp428Asn; replaces aspartic acid 428 with asparagine.
Molecular consequence: missense variant.
Genome position (GRCh38, 1-based): chr10:71,645,972, G>A. VCF-style: chr10-71645972-G-A. GRCh37 (hg19) VCF-style: chr10-73405729-G-A.
Other names: c.1282G>A, p.Asp428Asn (NM_001171930.2, NM_001171931.2, NM_052836.4); short protein forms D428N.
Identifiers: ClinVar variation 729528 (VCV000729528.20), dbSNP rs188376296, ClinGen allele CA5543751.

ClinVar aggregate classification (germline): Conflicting classifications of pathogenicity. Review status: criteria provided, conflicting classifications (1 of 4 stars). 10 submissions from 8 submitters: Uncertain significance (2); Likely benign (4). 4 of the submissions do not count toward it. Last evaluated 2026-01-19.

Conditions:
Pituitary adenoma 5, multiple types. Identifiers: MedGen C4539685, MONDO:0054601, OMIM 617540.
CDH23-related disorder. Also called: CDH23-related disorders; CDH23-related condition.
Usher syndrome type 1 (USH1). Also called: RETINITIS PIGMENTOSA AND CONGENITAL DEAFNESS. Identifiers: Orphanet 231169, Orphanet 886, MedGen C1568247, MONDO:0010168, OMIM 276900.
Usher syndrome type 1D (USH1D). Also called: USHER SYNDROME, TYPE ID. Identifiers: Orphanet 231169, Orphanet 886, MedGen C1832845, MONDO:0010984, OMIM 601067.

Allele frequency attached by ClinVar (database versions not stated): gnomAD 0.00009 and 0.00014; gnomAD exomes 0.00016 and 0.00050; TOPMed 0.00023; ExAC 0.00051; 1000 Genomes Project 0.00100; 1000 Genomes Project 30x 0.00125.
gnomAD v4.1: 250 of 1,611,670 alleles (0.016%); highest among the groups gnomAD compares: East Asian, 0.47%; no homozygotes.

Submissions (10):

Labcorp Genetics (formerly Invitae), Labcorp
Classification: Likely benign. Last evaluated: 2026-01-19. Review status: criteria provided, single submitter. Criteria: Invitae Variant Classification Sherloc (09022015). Collection method: clinical testing. Allele origin: germline.

PreventionGenetics, part of Exact Sciences
Classification: Likely benign for CDH23-related condition. Last evaluated: 2025-09-11. Review status: criteria provided, single submitter. Criteria: ACMG Guidelines, 2015. Collection method: clinical testing. Allele origin: germline.
Comment: This variant is classified as likely benign based on ACMG/AMP sequence variant interpretation guidelines (Richards et al. 2015 PMID: 25741868, with internal and published modifications).

Women's Health and Genetics/Laboratory Corporation of America, LabCorp
Classification: Likely benign. Last evaluated: 2025-09-05. Review status: criteria provided, single submitter. Criteria: LabCorp Variant Classification Summary - May 2015. Collection method: clinical testing. Allele origin: germline.
Comment: Variant summary: CDH23 c.1282G>A (p.Asp428Asn) results in a conservative amino acid change in the encoded protein sequence. Algorithms developed to predict the effect of missense changes on protein structure and function are either unavailable or do not agree on the potential impact of this missense change. The variant allele was found at a frequency of 0.0005 in 245984 control chromosomes, predominantly at a frequency of 0.0063 within the East Asian subpopulation in the gnomAD database. The observed variant frequency within East Asian control individuals in the gnomAD database exceeds the estimated maximal expected allele frequency for disease-causing variants in CDH23. c.1282G>A has been observed in individual(s) affected with clinical features of Usher Syndrome (e.g. Woo_2014, Sun_2018, Kim_2021, Han_2024). These report(s) do not provide unequivocal conclusions about association of the variant with Usher Syndrome. To our knowledge, no experimental evidence demonstrating an impact on protein function has been reported. The following publications have been ascertained in the context of this evaluation (PMID: 38610765, 34721897, 29625443, 24767429). ClinVar contains an entry for this variant (Variation ID: 729528). Based on the evidence outlined above, the variant was classified as likely benign.

Blueprint Genetics
Classification: Likely benign. Last evaluated: 2024-11-08. Review status: criteria provided, single submitter. Criteria: ACMG Guidelines, 2015. Collection method: clinical testing. Allele origin: germline.

Baylor Genetics
Classification: Uncertain significance for Pituitary adenoma 5, multiple types. Last evaluated: 2022-04-01. Review status: criteria provided, single submitter. Criteria: ACMG Guidelines, 2015. Collection method: clinical testing. Allele origin: unknown.

Baylor Genetics
Classification: Uncertain significance for Usher syndrome type 1D. Review status: criteria provided, single submitter. Criteria: ACMG Guidelines, 2015. Collection method: clinical testing. Allele origin: unknown.

Natera, Inc.
Classification: Likely benign for Usher syndrome type 1. Last evaluated: 2020-09-16. Review status: no assertion criteria provided. Collection method: clinical testing. Allele origin: germline. Not counted in ClinVar's aggregate classification.

Clinical Genetics DNA and cytogenetics Diagnostics Lab, Erasmus MC, Erasmus Medical Center
Classification: Uncertain significance. Review status: no assertion criteria provided. Collection method: clinical testing. Allele origin: germline. Affected: yes. Study: VKGL Data-share Consensus. Not counted in ClinVar's aggregate classification.

Laboratory of Diagnostic Genome Analysis, Leiden University Medical Center (LUMC)
Classification: Uncertain significance. Review status: no assertion criteria provided. Collection method: clinical testing. Allele origin: germline. Affected: yes. Study: VKGL Data-share Consensus. Not counted in ClinVar's aggregate classification.

Baylor Genetics
Classification: Likely pathogenic for Usher syndrome type 1. Review status: flagged submission. Criteria: ACMG Guidelines, 2015. Collection method: clinical testing. Allele origin: germline. Not counted in ClinVar's aggregate classification.
ClinVar note: Reason: New submission from submitter that appears to have been intended to update this older submission

Literature cited by the submitters: PubMed 29625443 (cited by Women's Health and Genetics/Laboratory Corporation of America, LabCorp); PubMed 24767429 (cited by Women's Health and Genetics/Laboratory Corporation of America, LabCorp); PubMed 34721897 (cited by Women's Health and Genetics/Laboratory Corporation of America, LabCorp); PubMed 38610765 (cited by Women's Health and Genetics/Laboratory Corporation of America, LabCorp).